The following is an entry in ClinVar:

NM_000132.4(F8):c.1257_1262delinsG (p.Ala420fs)

Gene: F8 (coagulation factor VIII; minus strand). Cytogenetic location: Xq28.
Variant type: Indel.
Coding change: c.1257_1262delinsG on transcript NM_000132.4 (MANE Select); coding-DNA positions 1257 to 1262, CGCCCC replaced by G.
Protein change: p.Ala420fs; shifts the reading frame from alanine 420.
Molecular consequence: frameshift variant.
Genome position (GRCh38, 1-based): chrX:154,966,435-154,966,440, GGGGCG replaced by C on the plus strand (CGCCCC replaced by G on the coding strand, the reverse complement: F8 is on the minus strand). VCF-style: chrX-154966435-GGGGCG-C. GRCh37 (hg19) VCF-style: chrX-154194710-GGGGCG-C.
Other names: short protein forms A420fs.
Identifiers: ClinVar variation 1330700 (VCV001330700.7), dbSNP rs2124105898, ClinGen allele CA2573055185.

ClinVar aggregate classification (germline): Pathogenic (1 of 4 stars; one submission).

Conditions:
Hereditary factor VIII deficiency disease (HEMA). Also called: HEMOPHILIA, CLASSIC; AUTOSOMAL HEMOPHILIA A; Hemophilia A; Hemophilia A, congenital; HEM A; Factor 8 deficiency, congenital. Identifiers: Orphanet 98878, MedGen C0019069, MONDO:0010602, OMIM 306700.

Submission:

ARUP Laboratories, Molecular Genetics and Genomics, ARUP Laboratories
Classification: Pathogenic for Hereditary factor VIII deficiency disease. Last evaluated: 2021-04-22. Review status: criteria provided, single submitter. Criteria: ARUP Molecular Germline Variant Investigation Process 2021. Collection method: clinical testing. Allele origin: germline.
Comment: The F8 c.1257_1262delinsG; p.Ala420ArgfsTer2 variant, to our knowledge, is not reported in the medical literature but is reported in the CDC Hemophilia Mutation Project database (see link). This variant is absent from the Genome Aggregation Database, indicating it is not a common polymorphism. This variant causes a frameshift by deleting 6 nucleotides and inserting a single nucleotide, so it is predicted to result in a truncated protein or mRNA subject to nonsense-mediated decay. Based on available information, this variant is considered to be pathogenic. References: CDC Hemophilia Mutation Project (CHAMP & CHBMP)